The following is an entry in ClinVar:

NM_015295.3(SMCHD1):c.639-138A>G

Gene: SMCHD1 (structural maintenance of chromosomes flexible hinge domain containing 1; plus strand). Cytogenetic location: 18p11.32.
Variant type: single nucleotide variant.
Coding change: c.639-138A>G on transcript NM_015295.3 (MANE Select); 138 bases into the intron before coding-DNA position 639, A replaced by G.
Molecular consequence: intron variant.
Genome position (GRCh38, 1-based): chr18:2,688,256, A>G. VCF-style: chr18-2688256-A-G. GRCh37 (hg19) VCF-style: chr18-2688254-A-G.
Identifiers: ClinVar variation 1678721 (VCV001678721.2), dbSNP rs148277348, ClinGen allele CA295469102.

ClinVar aggregate classification (germline): Likely benign (1 of 4 stars; one submission).

Allele frequency attached by ClinVar (database versions not stated): gnomAD exomes 0.00053; gnomAD 0.00483 and 0.00521; 1000 Genomes Project 30x 0.00484; 1000 Genomes Project 0.00499.
gnomAD v4.1: 1,009 of 635,344 alleles (0.16%); highest among the groups gnomAD compares: African/African-American, 1.6%; 4 homozygotes.

Submission:

GeneDx
Classification: Likely benign. Last evaluated: 2021-05-26. Review status: criteria provided, single submitter. Criteria: GeneDx Variant Classification Process June 2021. Collection method: clinical testing. Allele origin: germline. Affected: yes.
Comment: See Variant Classification Assertion Criteria.